The following is an entry in ClinVar:

NM_001363059.2(MTUS1):c.2288-795_2449+390del

Gene: MTUS1 (microtubule associated scaffold protein 1; minus strand). Cytogenetic location: 8p22.
Variant type: Deletion.
Coding change: c.2288-795_2449+390del on transcript NM_001363059.2 (MANE Select); 795 bases into the intron before coding-DNA position 2288 through 390 bases into the intron after coding-DNA position 2449, 1,347 bases deleted.
Molecular consequence: splice acceptor variant, splice donor variant. On other transcripts: intron variant (3).
Genome position (GRCh38, 1-based): chr8:17,723,282-17,724,628, 1,347 bases deleted. GRCh37 (hg19): chr8:17,580,791-17,582,137.
Other names: c.2288-795_2449+390del (NM_001363061.2, NM_001363057.2, NM_001363058.2 and 1 more transcripts); c.2288-8727_2288-7381del (NM_001363060.2, NM_001363062.2, NM_001001925.3).
Identifiers: ClinVar variation 157106 (VCV000157106.2), ClinGen allele CA212222.

ClinVar aggregate classification (germline): not provided. Review status: no classification provided (0 of 4 stars). 3 submissions from 1 submitter: not provided (3).

Conditions:
Normal pregnancy. Identifiers: MedGen C0232989.
Small for gestational age. Also called: Low birth weight. Identifiers: MedGen C0235991, HP:0001518.
Preeclampsia. Identifiers: Orphanet 275555, MedGen C0032914, MONDO:0005081, HP:0100602.

Submissions (3):

Institute of Molecular and Cell Biology, University of Tartu
No classification provided. Condition: Normal pregnancy. Review status: no classification provided. Collection method: case-control. Allele origin: unknown. Affected: yes. Study: Kasak2014.
Comment: The study aimed to determine the contribution of copy number variants in the genetic etiology of normal and complicated pregnancies. The samples represented (i) maternal blood DNA drawn from healthy pregnant women during 1st or 2nd trimester and (ii) maternal and paternal blood DNA drawn at term pregnancy cases representing normal and complicated gestations (severe preeclampsia, PE; gestational diabetes, GD; small-for-gestational age newborn, SGA; large-for-gestational age newborn, LGA). We performed CNV calling based on genome-wide genotyping dataset (Illumina HumanOmniExpress-24-v1 BeadChip) by applying three algorithms, QuantiSNP, GADA (Genome Alteration Detection Algorithm) and CNstream in parallel. The acquired CNV calls were merged with HD-CNV (Hotspot Detector for Copy Number Variants) program and only the CNVs predicted by at least two programs, were considered in subsequent analysis.

Institute of Molecular and Cell Biology, University of Tartu
No classification provided. Condition: Small for gestational age. Review status: no classification provided. Collection method: case-control. Allele origin: unknown. Affected: yes. Study: Kasak2014.
Comment: the same text as in the submission from Institute of Molecular and Cell Biology, University of Tartu above.

Institute of Molecular and Cell Biology, University of Tartu
No classification provided. Condition: Preeclampsia. Review status: no classification provided. Collection method: case-control. Allele origin: unknown. Affected: yes. Study: Kasak2014.
Comment: the same text as in the submission from Institute of Molecular and Cell Biology, University of Tartu above.

Literature cited by the submitters: PubMed 25666259.